The following is an entry in ClinVar:

NM_001372.4(DNAH9):c.12953C>G (p.Ala4318Gly)

Gene: DNAH9 (dynein axonemal heavy chain 9; plus strand). Cytogenetic location: 17p12.
Variant type: single nucleotide variant.
Coding change: c.12953C>G on transcript NM_001372.4 (MANE Select); coding-DNA position 12953, C replaced by G.
Protein change: p.Ala4318Gly; replaces alanine 4318 with glycine.
Molecular consequence: missense variant.
Genome position (GRCh38, 1-based): chr17:11,961,976, C>G. VCF-style: chr17-11961976-C-G. GRCh37 (hg19) VCF-style: chr17-11865293-C-G.
Other names: c.1889C>G, p.Ala630Gly (NM_004662.2); short protein forms A4318G, A630G.
Identifiers: ClinVar variation 2421221 (VCV002421221.4), dbSNP rs138162394, ClinGen allele CA8398314.

ClinVar aggregate classification (germline): Uncertain significance (1 of 4 stars; one submission).

Allele frequency attached by ClinVar (database versions not stated): ExAC 0.00001; TOPMed 0.00002; gnomAD 0.00003; ESP Exome Variant Server 0.00008.
gnomAD v4.1: 10 of 1,614,062 alleles (0.00062%); highest among the groups gnomAD compares: African/African-American, 0.0013%; no homozygotes.

Submission:

Labcorp Genetics (formerly Invitae), Labcorp
Classification: Uncertain significance. Last evaluated: 2022-07-30. Review status: criteria provided, single submitter. Criteria: Invitae Variant Classification Sherloc (09022015). Collection method: clinical testing. Allele origin: germline.
Comment: This sequence change replaces alanine, which is neutral and non-polar, with glycine, which is neutral and non-polar, at codon 4318 of the DNAH9 protein (p.Ala4318Gly). This variant is present in population databases (rs138162394, gnomAD 0.004%). In summary, the available evidence is currently insufficient to determine the role of this variant in disease. Therefore, it has been classified as a Variant of Uncertain Significance. Algorithms developed to predict the effect of missense changes on protein structure and function output the following: SIFT: "Tolerated"; PolyPhen-2: "Benign"; Align-GVGD: "Class C0". The glycine amino acid residue is found in multiple mammalian species, which suggests that this missense change does not adversely affect protein function. This variant has not been reported in the literature in individuals affected with DNAH9-related conditions.